The following is an entry in ClinVar:

NM_005876.5(SPEG):c.3063C>T (p.Gly1021=)

Gene: SPEG (striated muscle enriched protein kinase; plus strand). Cytogenetic location: 2q35.
Variant type: single nucleotide variant.
Coding change: c.3063C>T on transcript NM_005876.5 (MANE Select); coding-DNA position 3063, C replaced by T.
Protein change: p.Gly1021=; no amino-acid change (glycine 1021 retained).
Molecular consequence: synonymous variant.
Genome position (GRCh38, 1-based): chr2:219,467,355, C>T. VCF-style: chr2-219467355-C-T. GRCh37 (hg19) VCF-style: chr2-220332077-C-T.
Identifiers: ClinVar variation 3052745 (VCV003052745.2), dbSNP rs779622256, ClinGen allele CA2126052.

ClinVar aggregate classification (germline): Likely benign (0 of 4 stars; one submission).

Conditions:
SPEG-related disorder. Also called: SPEG-related condition.

Allele frequency attached by ClinVar (database versions not stated): ExAC 0.00001.

Submission:

PreventionGenetics, part of Exact Sciences
Classification: Likely benign for SPEG-related condition. Last evaluated: 2023-08-06. Review status: no assertion criteria provided. Collection method: clinical testing. Allele origin: germline.
Comment: This variant is classified as likely benign based on ACMG/AMP sequence variant interpretation guidelines (Richards et al. 2015 PMID: 25741868, with internal and published modifications).